The following is an entry in ClinVar:

NM_017654.4(SAMD9):c.1913C>T (p.Ser638Leu)

Gene: SAMD9 (sterile alpha motif domain containing 9; minus strand). Cytogenetic location: 7q21.2.
Variant type: single nucleotide variant.
Coding change: c.1913C>T on transcript NM_017654.4 (MANE Select); coding-DNA position 1913, C replaced by T.
Protein change: p.Ser638Leu; replaces serine 638 with leucine.
Molecular consequence: missense variant.
Genome position (GRCh38, 1-based): chr7:93,104,185, G>A on the plus strand (C>T on the coding strand, the complement: SAMD9 is on the minus strand). VCF-style: chr7-93104185-G-A. GRCh37 (hg19) VCF-style: chr7-92733498-G-A.
Other names: c.1913C>T (NM_017654.3); c.1913C>T, p.Ser638Leu (NM_001193307.2); short protein forms S638L.
Identifiers: ClinVar variation 2416962 (VCV002416962.7), dbSNP rs753387240, ClinGen allele CA4342912.

ClinVar aggregate classification (germline): Uncertain significance. Review status: criteria provided, multiple submitters, no conflicts (2 of 4 stars). 3 submissions from 3 submitters: Uncertain significance (3). Last evaluated 2026-10-01.

Conditions:
Monosomy 7 myelodysplasia and leukemia syndrome 2. Identifiers: MedGen C5436668, MONDO:0030801, OMIM 619041.
Inborn genetic diseases. Identifiers: MedGen C0950123, MeSH D030342.

Allele frequency attached by ClinVar (database versions not stated): ExAC 0.00001; gnomAD 0.00001; gnomAD exomes 0.00001; TOPMed 0.00002.

Submissions (3):

St. Jude Molecular Pathology, St. Jude Children's Research Hospital
Classification: Uncertain significance for Monosomy 7 myelodysplasia and leukemia syndrome 2. Last evaluated: 2026-10-01. Review status: criteria provided, single submitter. Criteria: St. Jude Assertion Criteria 2020. Collection method: clinical testing. Allele origin: germline.
Comment: The SAMD9 c.1913C>T p.(Ser638Leu) missense change has a maximu m subpopulation frequency of 0.0054% in gnomAD v2.1.1. The in silico tool REVEL predicts a benign effect of this variant on protein function, however in silico predictions have not been found to correlate with syndrom ic risk for SAMD9 variants and are thus not considered supporting evidence of a pathogenic or benign effect (PMID: 34621053). To our knowledge, this variant has not been reported in individuals with SAMD9-associated conditions. In summary, the evidence c urrently available is insufficient to determine the clinical significance of this variant. It has therefore been classified as of uncertain significance.

Labcorp Genetics (formerly Invitae), Labcorp
Classification: Uncertain significance. Last evaluated: 2024-11-19. Review status: criteria provided, single submitter. Criteria: Invitae Variant Classification Sherloc (09022015). Collection method: clinical testing. Allele origin: germline.
Comment: This sequence change replaces serine, which is neutral and polar, with leucine, which is neutral and non-polar, at codon 638 of the SAMD9 protein (p.Ser638Leu). This variant is present in population databases (rs753387240, gnomAD 0.006%). This variant has not been reported in the literature in individuals affected with SAMD9-related conditions. ClinVar contains an entry for this variant (Variation ID: 2416962). Invitae Evidence Modeling of protein sequence and biophysical properties (such as structural, functional, and spatial information, amino acid conservation, physicochemical variation, residue mobility, and thermodynamic stability) indicates that this missense variant is not expected to disrupt SAMD9 protein function with a negative predictive value of 95%. In summary, the available evidence is currently insufficient to determine the role of this variant in disease. Therefore, it has been classified as a Variant of Uncertain Significance.

Ambry Genetics
Classification: Uncertain significance for Inborn genetic diseases. Last evaluated: 2024-10-05. Review status: criteria provided, single submitter. Criteria: Ambry Variant Classification Scheme 2023. Collection method: clinical testing. Allele origin: germline.
Comment: The p.S638L variant (also known as c.1913C>T), located in coding exon 1 of the SAMD9 gene, results from a C to T substitution at nucleotide position 1913. The serine at codon 638 is replaced by leucine, an amino acid with dissimilar properties. This amino acid position is conserved. In addition, this alteration is predicted to be tolerated by in silico analysis. Based on the available evidence, the clinical significance of this variant remains unclear.